The following is an entry in ClinVar:

ClinVar aggregate classification (germline): Pathogenic (1 of 4 stars; one submission).

Conditions:
Ehlers-Danlos syndrome, kyphoscoliotic type 1 (EDSKSCL1). Also called: EHLERS-DANLOS SYNDROME, TYPE VIA; PLOD1-Related Kyphoscoliotic Ehlers-Danlos Syndrome; EHLERS-DANLOS SYNDROME, OCULAR-SCOLIOTIC TYPE; Ehlers-Danlos syndrome, hydroxylysine-deficient. Identifiers: Orphanet 1900, MedGen C0268342, MONDO:0016002, OMIM 225400. Disease mechanism: loss of function.

Submission:

Labcorp Genetics (formerly Invitae), Labcorp
Classification: Pathogenic for Ehlers-Danlos syndrome, kyphoscoliotic type 1. Last evaluated: 2021-05-24. Review status: criteria provided, single submitter. Criteria: Invitae Variant Classification Sherloc (09022015). Collection method: clinical testing. Allele origin: germline.
Comment: For these reasons, this variant has been classified as Pathogenic. This variant has not been reported in the literature in individuals with PLOD1-related conditions. This variant is not present in population databases (ExAC no frequency). This sequence change creates a premature translational stop signal (p.Asn391Thrfs*67) in the PLOD1 gene. It is expected to result in an absent or disrupted protein product. Loss-of-function variants in PLOD1 are known to be pathogenic (PMID: 10874315, 21699693).

Literature cited by the submitters: PubMed 10874315; PubMed 21699693.

NM_000302.4(PLOD1):c.1170_1192del (p.Asn391fs)

Gene: PLOD1 (procollagen-lysine,2-oxoglutarate 5-dioxygenase 1; plus strand). Cytogenetic location: 1p36.22.
Variant type: Deletion.
Coding change: c.1170_1192del on transcript NM_000302.4 (MANE Select); coding-DNA positions 1170 to 1192, 23 bases deleted (CAACAGCCTGCGGCTGCTGATCC).
Protein change: p.Asn391fs; shifts the reading frame from asparagine 391.
Molecular consequence: frameshift variant.
Genome position (GRCh38, 1-based): chr1:11,963,604-11,963,626, CAACAGCCTGCGGCTGCTGATCC deleted; deleting any 23 consecutive bases within chr1:11,963,602-11,963,626 gives the same sequence; the c. name uses the placement nearest the transcript's 3' end. VCF-style (leftmost placement, unchanged base first): chr1-11963601-GCCCAACAGCCTGCGGCTGCTGAT-G. GRCh37 (hg19) VCF-style: chr1-12023658-GCCCAACAGCCTGCGGCTGCTGAT-G.
Other names: c.1311_1333del, p.Asn438fs (NM_001316320.2); short protein forms N438fs, N391fs.
Identifiers: ClinVar variation 1452011 (VCV001452011.6), dbSNP rs2100756997, ClinGen allele CA2573130747.